The following is an entry in ClinVar:

NM_001374736.1(DST):c.21011A>G (p.Asp7004Gly)

Gene: DST (dystonin; minus strand). Cytogenetic location: 6p12.1.
Variant type: single nucleotide variant.
Coding change: c.21011A>G on transcript NM_001374736.1 (MANE Select); coding-DNA position 21011, A replaced by G.
Protein change: p.Asp7004Gly; replaces aspartic acid 7004 with glycine.
Molecular consequence: missense variant.
Genome position (GRCh38, 1-based): chr6:56,487,140, T>C on the plus strand (A>G on the coding strand, the complement: DST is on the minus strand). VCF-style: chr6-56487140-T-C. GRCh37 (hg19) VCF-style: chr6-56351938-T-C.
Other names: c.14654A>G, p.Asp4885Gly (NM_001144769.5); c.14240A>G, p.Asp4747Gly (NM_001144770.2); c.21011A>G, p.Asp7004Gly (NM_001374722.1); c.20051A>G, p.Asp6684Gly (NM_001374729.1); c.13793A>G, p.Asp4598Gly (NM_001374730.1); c.21038A>G, p.Asp7013Gly (NM_001374734.1); c.14120A>G, p.Asp4707Gly (NM_001386100.1, NM_183380.4); c.13142A>G, p.Asp4381Gly (NM_015548.5); short protein forms D4747G, D4707G, D4885G, D6684G, D7004G, D4381G, D4598G, D7013G.
Identifiers: ClinVar variation 1773228 (VCV001773228.4), dbSNP rs945242853, ClinGen allele CA364512928.

ClinVar aggregate classification (germline): Uncertain significance. Review status: criteria provided, multiple submitters, no conflicts (2 of 4 stars). 2 submissions from 2 submitters: Uncertain significance (2). Last evaluated 2024-10-04.

Conditions:
Inborn genetic diseases. Identifiers: MedGen C0950123, MeSH D030342.
Epidermolysis bullosa simplex 3, localized or generalized intermediate, with BP230 deficiency (EBS3). Also called: Epidermolysis bullosa simplex, autosomal recessive 2; Epidermolysis bullosa simplex due to BP230 deficiency. Identifiers: Orphanet 412181, MedGen C3809470, MONDO:0014180, OMIM 615425.
Hereditary sensory and autonomic neuropathy type 6. Also called: HSAN VI; Neuropathy, hereditary sensory and autonomic, type VI. Identifiers: Orphanet 314381, MedGen C3539003, MONDO:0013839, OMIM 614653.

Allele frequency attached by ClinVar (database versions not stated): gnomAD exomes 0.00001.
gnomAD v4.1: 10 of 1,613,990 alleles (0.00062%); highest among the groups gnomAD compares: Non-Finnish European, 0.00085%; no homozygotes.

Submissions (2):

Labcorp Genetics (formerly Invitae), Labcorp
Classification: Uncertain significance for Epidermolysis bullosa simplex 3, localized or generalized intermediate, with BP230 deficiency; Hereditary sensory and autonomic neuropathy type 6. Last evaluated: 2024-10-04. Review status: criteria provided, single submitter. Criteria: Invitae Variant Classification Sherloc (09022015). Collection method: clinical testing. Allele origin: germline.
Comment: The DST gene has multiple clinically relevant transcripts. This variant occurs in alternate transcript NM_015548.4, and corresponds to NM_001723.5:c.*128365G>C in the primary transcript. This sequence change replaces aspartic acid, which is acidic and polar, with glycine, which is neutral and non-polar, at codon 4381 of the DST protein (p.Asp4381Gly). This variant is present in population databases (no rsID available, gnomAD 0.0009%). This variant has not been reported in the literature in individuals affected with DST-related conditions. Experimental studies and prediction algorithms are not available or were not evaluated, and the functional significance of this variant is currently unknown. In summary, the available evidence is currently insufficient to determine the role of this variant in disease. Therefore, it has been classified as a Variant of Uncertain Significance.

Ambry Genetics
Classification: Uncertain significance for Inborn genetic diseases. Last evaluated: 2020-12-11. Review status: criteria provided, single submitter. Criteria: Ambry Variant Classification Scheme 2023. Collection method: clinical testing. Allele origin: germline.
Comment: The p.D4885G variant (also known as c.14654A>G), located in coding exon 81 of the DST gene, results from an A to G substitution at nucleotide position 14654. The aspartic acid at codon 4885 is replaced by glycine, an amino acid with similar properties. This amino acid position is highly conserved in available vertebrate species. In addition, the in silico prediction for this alteration is inconclusive. Since supporting evidence is limited at this time, the clinical significance of this alteration remains unclear.